The following is an entry in ClinVar:

ClinVar aggregate classification (germline): Uncertain significance (1 of 4 stars; one submission).

Conditions:
PLXNA1-related disorder. Also called: PLXNA1-related condition.

Submission:

PreventionGenetics, part of Exact Sciences
Classification: Uncertain significance for PLXNA1-related condition. Last evaluated: 2025-04-24. Review status: criteria provided, single submitter. Criteria: ACMG Guidelines, 2015. Collection method: clinical testing. Allele origin: germline.
Comment: The PLXNA1 c.2345T>A variant is predicted to result in the amino acid substitution p.Leu782Gln. To our knowledge, this variant has not been reported in the literature or in a large population database (gnomAD), indicating this variant is rare. At this time, the clinical significance of this variant is uncertain due to the absence of conclusive functional and genetic evidence.

NM_032242.4(PLXNA1):c.2345T>A (p.Leu782Gln)

Gene: PLXNA1 (plexin A1; plus strand). Cytogenetic location: 3q21.3.
Variant type: single nucleotide variant.
Coding change: c.2345T>A on transcript NM_032242.4 (MANE Select); coding-DNA position 2345, T replaced by A.
Protein change: p.Leu782Gln; replaces leucine 782 with glutamine.
Molecular consequence: missense variant.
Genome position (GRCh38, 1-based): chr3:127,014,051, T>A. VCF-style: chr3-127014051-T-A. GRCh37 (hg19) VCF-style: chr3-126732894-T-A.
Other names: short protein forms L782Q.
Identifiers: ClinVar variation 4998959 (VCV004998959.1).